The following is an entry in ClinVar:

ClinVar aggregate classification (germline): Uncertain significance (1 of 4 stars; one submission).

Submission:

GeneDx
Classification: Uncertain significance. Last evaluated: 2019-07-18. Review status: criteria provided, single submitter. Criteria: GeneDx Variant Classification Process June 2021. Collection method: clinical testing. Allele origin: germline. Affected: yes.
Comment: Not observed in large population cohorts (Lek et al., 2016); In silico analysis, which includes protein predictors and evolutionary conservation, supports a deleterious effect; Has not been previously published as pathogenic or benign to our knowledge

NM_001244008.2(KIF1A):c.2170A>G (p.Lys724Glu)

Gene: KIF1A (kinesin family member 1A; minus strand). Cytogenetic location: 2q37.3.
Variant type: single nucleotide variant.
Coding change: c.2170A>G on transcript NM_001244008.2 (MANE Select); coding-DNA position 2170, A replaced by G.
Protein change: p.Lys724Glu; replaces lysine 724 with glutamic acid.
Molecular consequence: missense variant.
Genome position (GRCh38, 1-based): chr2:240,761,324, T>C on the plus strand (A>G on the coding strand, the complement: KIF1A is on the minus strand). VCF-style: chr2-240761324-T-C. GRCh37 (hg19) VCF-style: chr2-241700741-T-C.
Other names: c.2170A>G, p.Lys724Glu (NM_001320705.2, NM_001330289.2, NM_001379638.1); c.2245A>G, p.Lys749Glu (NM_001330290.2, NM_001379631.1, NM_001379634.1 and 2 more transcripts); c.2143A>G, p.Lys715Glu (NM_001379632.1, NM_001379633.1, NM_001379636.1 and 10 more transcripts); c.2218A>G, p.Lys740Glu (NM_001379637.1, NM_001379648.1); short protein forms K715E, K724E, K740E, K749E.
Identifiers: ClinVar variation 1307080 (VCV001307080.2), dbSNP rs1363108222, ClinGen allele CA351325520.
Genomic context (GRCh38, chr2:240,761,324, plus strand): 5'-CCTTGAGGAAGATGGCGTTGCCCCACAGCAGGTCCCGCAGAGACGTGAACTGGTACCACT[T>C]CCACTTCCGGAAGGCCCAGAGCGCCAGCTCACACTCCCGCTCTGTCCACTGGACTGTGGG-3'
Protein context (NP_001230937.1, residues 714-734): ELALWAFRKW[Lys724Glu]WYQFTSLRDL